The following is an entry in ClinVar:

NM_000532.5(PCCB):c.306T>G (p.Phe102Leu)

Gene: PCCB (propionyl-CoA carboxylase subunit beta; plus strand). Cytogenetic location: 3q22.3.
Variant type: single nucleotide variant.
Coding change: c.306T>G on transcript NM_000532.5 (MANE Select); coding-DNA position 306, T replaced by G.
Protein change: p.Phe102Leu; replaces phenylalanine 102 with leucine.
Molecular consequence: missense variant.
Genome position (GRCh38, 1-based): chr3:136,256,557, T>G. VCF-style: chr3-136256557-T-G. GRCh37 (hg19) VCF-style: chr3-135975399-T-G.
Other names: c.306T>G, p.Phe102Leu (NM_001178014.2); short protein forms F102L.
Identifiers: ClinVar variation 968390 (VCV000968390.6), dbSNP rs770601332, ClinGen allele CA2631681.

ClinVar aggregate classification (germline): Uncertain significance. Review status: criteria provided, single submitter (1 of 4 stars). 2 submissions from 2 submitters: Uncertain significance (1). 1 of the submissions does not count toward it. Last evaluated 2022-11-01.

Conditions:
Propionic acidemia (PROP). Also called: GLYCINEMIA, KETOTIC; HYPERGLYCINEMIA WITH KETOACIDOSIS AND LEUKOPENIA; KETOTIC HYPERGLYCINEMIA. Identifiers: Orphanet 35, MedGen C0268579, MONDO:0011628, OMIM 606054, HP:0003571.

Allele frequency attached by ClinVar (database versions not stated): gnomAD 0.00004; gnomAD exomes 0.00004 and 0.00006; TOPMed 0.00004; ExAC 0.00005.
gnomAD v4.1: 74 of 1,611,240 alleles (0.0046%); highest among the groups gnomAD compares: Middle Eastern, 0.033%; no homozygotes.

Submissions (2):

Labcorp Genetics (formerly Invitae), Labcorp
Classification: Uncertain significance for Propionic acidemia. Last evaluated: 2022-11-01. Review status: criteria provided, single submitter. Criteria: Invitae Variant Classification Sherloc (09022015). Collection method: clinical testing. Allele origin: germline.
Comment: This sequence change replaces phenylalanine, which is neutral and non-polar, with leucine, which is neutral and non-polar, at codon 102 of the PCCB protein (p.Phe102Leu). This variant is present in population databases (rs770601332, gnomAD 0.02%). This variant has not been reported in the literature in individuals affected with PCCB-related conditions. ClinVar contains an entry for this variant (Variation ID: 968390). Algorithms developed to predict the effect of missense changes on protein structure and function are either unavailable or do not agree on the potential impact of this missense change (SIFT: "Deleterious"; PolyPhen-2: "Benign"; Align-GVGD: "Class C0"). In summary, the available evidence is currently insufficient to determine the role of this variant in disease. Therefore, it has been classified as a Variant of Uncertain Significance.

Natera, Inc.
Classification: Uncertain significance for Propionic acidemia. Last evaluated: 2020-02-11. Review status: no assertion criteria provided. Collection method: clinical testing. Allele origin: germline. Not counted in ClinVar's aggregate classification.